The following is an entry in ClinVar:

NM_000548.5(TSC2):c.4493+1G>T

Gene: TSC2 (TSC complex subunit 2; plus strand). Cytogenetic location: 16p13.3.
Variant type: single nucleotide variant.
Coding change: c.4493+1G>T on transcript NM_000548.5 (MANE Select); the canonical splice donor site of the intron after coding-DNA position 4493, G replaced by T.
Molecular consequence: splice donor variant.
Genome position (GRCh38, 1-based): chr16:2,084,716, G>T. VCF-style: chr16-2084716-G-T. GRCh37 (hg19) VCF-style: chr16-2134717-G-T.
Other names: c.2951+1G>T (NM_001406693.1, NM_001406692.1, NM_001406694.1); c.4385+1G>T (NM_001406667.1); c.4382+1G>T (NM_001406668.1); c.3893+1G>T (NM_001406680.1); c.3824+1G>T (NM_001406683.1, NM_001406682.1); c.3692+1G>T (NM_001406687.1, NM_001406688.1); c.3080+1G>T (NM_001406689.1); c.3020+1G>T (NM_001406690.1); and 26 more.
Identifiers: ClinVar variation 4192125 (VCV004192125.1).
Genomic context (GRCh38, chr16:2,084,716, plus strand): 5'-CGCCTTAAAGAGCAGAGCCACAGCCTCCAATGCAGAGAAAGTGCCAGGCATCAACCCCAG[G>T]TGGGCCTCTTGCTTCCGGGCGGGGCTCCTGACACCTCTCCTGCGGGAACCTGGTGCCTCA-3'

ClinVar aggregate classification (germline): Likely pathogenic (1 of 4 stars; one submission).

Conditions:
Hereditary cancer-predisposing syndrome. Also called: Neoplastic Syndromes, Hereditary; Tumor predisposition; Hereditary Cancer Syndrome; Hereditary neoplastic syndrome. Identifiers: Orphanet 140162, MedGen C0027672, MeSH D009386, MONDO:0015356.

Submission:

Ambry Genetics
Classification: Likely pathogenic for Hereditary cancer-predisposing syndrome. Last evaluated: 2025-06-30. Review status: criteria provided, single submitter. Criteria: Ambry Variant Classification Scheme 2023. Collection method: clinical testing. Allele origin: germline.
Comment: The c.4493+1G>T intronic variant results from a G to T substitution one nucleotide after coding exon 33 of the TSC2 gene. This variant was reported in individual(s) with features consistent with tuberous sclerosis complex (Ambry internal data). This nucleotide position is highly conserved in available vertebrate species. In silico splice site analysis predicts that this alteration will weaken the native splice donor site. This variant is considered to be rare based on population cohorts in the Genome Aggregation Database (gnomAD). Alterations that disrupt the canonical splice site are expected to cause aberrant splicing, resulting in an abnormal protein or a transcript that is subject to nonsense-mediated mRNA decay. As such, this alteration is classified as likely pathogenic.